The following is an entry in ClinVar:

NM_021167.5(GATAD1):c.4C>T (p.Pro2Ser)

Genes: GATAD1 (GATA zinc finger domain containing 1; plus strand), LOC129998793 (ATAC-STARR-seq lymphoblastoid silent region 18371; plus strand). Cytogenetic location: 7q21.2.
Variant type: single nucleotide variant.
Coding change: c.4C>T on transcript NM_021167.5 (MANE Select); coding-DNA position 4, C replaced by T.
Protein change: p.Pro2Ser; replaces proline 2 with serine.
Molecular consequence: missense variant. On other transcripts: non-coding transcript variant (1).
Genome position (GRCh38, 1-based): chr7:92,447,733, C>T. VCF-style: chr7-92447733-C-T. GRCh37 (hg19) VCF-style: chr7-92077047-C-T.
Other names: short protein forms P2S.
Identifiers: ClinVar variation 3519078 (VCV003519078.1).
Genomic context (GRCh38, chr7:92,447,733, plus strand): 5'-CTACCGTCCGCCATTCCCGTGTCTCTGCGCCCGCGGGGGCCGCCCGAGCCGGCCACCATG[C>T]CGCTGGGCCTGAAGCCCACCTGCAGCGTATGCAAGACCACGTCGTCCTCCATGTGGAAGA-3'
Protein context (NP_066990.3, residues 1-12): M[Pro2Ser]LGLKPTCSVC

ClinVar aggregate classification (germline): Uncertain significance (1 of 4 stars; one submission).

Conditions:
Cardiovascular phenotype. Identifiers: MedGen CN230736.

Submission:

Ambry Genetics
Classification: Uncertain significance for Cardiovascular phenotype. Last evaluated: 2024-08-27. Review status: criteria provided, single submitter. Criteria: Ambry Variant Classification Scheme 2023. Collection method: clinical testing. Allele origin: germline.
Comment: The p.P2S variant (also known as c.4C>T), located in coding exon 1 of the GATAD1 gene, results from a C to T substitution at nucleotide position 4. The proline at codon 2 is replaced by serine, an amino acid with similar properties. This amino acid position is highly conserved in available vertebrate species. In addition, the in silico prediction for this alteration is inconclusive. The evidence for this gene-disease relationship is limited; therefore, the clinical significance of this alteration is unclear.